The following is an entry in ClinVar:

NM_000038.6(APC):c.3422C>G (p.Thr1141Ser)

Gene: APC (APC regulator of Wnt signaling pathway; plus strand). Cytogenetic location: 5q22.2.
Variant type: single nucleotide variant.
Coding change: c.3422C>G on transcript NM_000038.6 (MANE Select); coding-DNA position 3422, C replaced by G.
Protein change: p.Thr1141Ser; replaces threonine 1141 with serine.
Molecular consequence: missense variant.
Genome position (GRCh38, 1-based): chr5:112,839,016, C>G. VCF-style: chr5-112839016-C-G. GRCh37 (hg19) VCF-style: chr5-112174713-C-G.
Other names: c.3422C>G, p.Thr1141Ser (NM_001127510.3, NM_001354895.2, NM_001407450.1); c.3368C>G, p.Thr1123Ser (NM_001127511.3); c.3476C>G, p.Thr1159Ser (NM_001354896.2, NM_001407447.1, NM_001407448.1 and 1 more transcripts); c.3452C>G, p.Thr1151Ser (NM_001354897.2); c.3347C>G, p.Thr1116Ser (NM_001354898.2); c.3338C>G, p.Thr1113Ser (NM_001354899.2); c.3299C>G, p.Thr1100Ser (NM_001354900.2); c.3245C>G, p.Thr1082Ser (NM_001354901.2, NM_001407453.1); and 11 more; short protein forms T1050S, T1058S, T1134S, T981S, T1100S, T1113S, T858S, T1040S.
Identifiers: ClinVar variation 2055721 (VCV002055721.4), dbSNP rs2149891609, ClinGen allele CA16028835.

ClinVar aggregate classification (germline): Uncertain significance (1 of 4 stars; one submission).

Conditions:
Familial adenomatous polyposis 1 (FAP1). Also called: POLYPOSIS, ADENOMATOUS INTESTINAL; FAMILIAL ADENOMATOUS POLYPOSIS 1, ATTENUATED. Identifiers: MedGen C2713442, MONDO:0021056, OMIM 175100. Disease mechanism: loss of function.

Submission:

Labcorp Genetics (formerly Invitae), Labcorp
Classification: Uncertain significance for Familial adenomatous polyposis 1. Last evaluated: 2021-12-23. Review status: criteria provided, single submitter. Criteria: Invitae Variant Classification Sherloc (09022015). Collection method: clinical testing. Allele origin: germline.
Comment: In summary, the available evidence is currently insufficient to determine the role of this variant in disease. Therefore, it has been classified as a Variant of Uncertain Significance. Algorithms developed to predict the effect of missense changes on protein structure and function (SIFT, PolyPhen-2, Align-GVGD) all suggest that this variant is likely to be disruptive. This sequence change replaces threonine, which is neutral and polar, with serine, which is neutral and polar, at codon 1141 of the APC protein (p.Thr1141Ser). This variant is not present in population databases (gnomAD no frequency). This variant has not been reported in the literature in individuals affected with APC-related conditions.